The following is an entry in ClinVar:

ClinVar aggregate classification (germline): Uncertain significance (1 of 4 stars; one submission).

Submission:

Labcorp Genetics (formerly Invitae), Labcorp
Classification: Uncertain significance. Last evaluated: 2020-10-18. Review status: criteria provided, single submitter. Criteria: Invitae Variant Classification Sherloc (09022015). Collection method: clinical testing. Allele origin: germline.
Comment: This variant occurs in a non-coding region of the EYS gene. It does not change the encoded amino acid sequence of the EYS protein. The frequency data for this variant in the population databases is considered unreliable, as metrics indicate insufficient coverage at this position in the ExAC database. This variant has not been reported in the literature in individuals with EYS-related conditions. Experimental studies and prediction algorithms are not available or were not evaluated, and the functional significance of this variant is currently unknown. In summary, the available evidence is currently insufficient to determine the role of this variant in disease. Therefore, it has been classified as a Variant of Uncertain Significance.

NM_001142800.2(EYS):c.-291C>A

Gene: EYS (EGF-like photoreceptor maintenance factor; minus strand). Cytogenetic location: 6q12.
Variant type: single nucleotide variant.
Coding change: c.-291C>A on transcript NM_001142800.2 (MANE Select); 291 bases upstream of the start codon, C replaced by A.
Molecular consequence: 5 prime UTR variant.
Genome position (GRCh38, 1-based): chr6:65,495,952, G>T on the plus strand (C>A on the coding strand, the complement: EYS is on the minus strand). VCF-style: chr6-65495952-G-T. GRCh37 (hg19) VCF-style: chr6-66205845-G-T.
Other names: c.-291C>A (NM_001142801.2, NM_001292009.2, NM_198283.2).
Identifiers: ClinVar variation 1021101 (VCV001021101.7), dbSNP rs1766241156, ClinGen allele CA1634250190.